The following is an entry in ClinVar:

ClinVar aggregate classification (germline): Uncertain significance (1 of 4 stars; one submission).

Conditions:
Inborn genetic diseases. Identifiers: MedGen C0950123, MeSH D030342.

Submission:

Ambry Genetics
Classification: Uncertain significance for Inborn genetic diseases. Last evaluated: 2022-08-28. Review status: criteria provided, single submitter. Criteria: Ambry Variant Classification Scheme 2023. Collection method: clinical testing. Allele origin: germline.
Comment: The p.T2031I variant (also known as c.6092C>T), located in coding exon 41 of the LRRK2 gene, results from a C to T substitution at nucleotide position 6092. The threonine at codon 2031 is replaced by isoleucine, an amino acid with similar properties. This amino acid position is conserved. In addition, the in silico prediction for this alteration is inconclusive. Since supporting evidence is limited at this time, the clinical significance of this alteration remains unclear.

NM_198578.4(LRRK2):c.6092C>T (p.Thr2031Ile)

Gene: LRRK2 (leucine rich repeat kinase 2; plus strand). Cytogenetic location: 12q12.
Variant type: single nucleotide variant.
Coding change: c.6092C>T on transcript NM_198578.4 (MANE Select); coding-DNA position 6092, C replaced by T.
Protein change: p.Thr2031Ile; replaces threonine 2031 with isoleucine.
Molecular consequence: missense variant.
Genome position (GRCh38, 1-based): chr12:40,340,437, C>T. VCF-style: chr12-40340437-C-T. GRCh37 (hg19) VCF-style: chr12-40734239-C-T.
Other names: short protein forms T2031I.
Identifiers: ClinVar variation 1751514 (VCV001751514.2), dbSNP rs2499948384, ClinGen allele CA384404145.